The following is an entry in ClinVar:

ClinVar aggregate classification (germline): Uncertain significance. Review status: criteria provided, multiple submitters, no conflicts (2 of 4 stars). 5 submissions from 5 submitters: Uncertain significance (5). Last evaluated 2024-04-10.

Conditions:
Cardiovascular phenotype. Identifiers: MedGen CN230736.
Hypertrophic cardiomyopathy 17. Identifiers: MedGen C3151264, MONDO:0013474, OMIM 613873.
Cardiomyopathy, dilated, 2E. Identifiers: MedGen C5561970, MONDO:0030366, OMIM 619492.
Hypertrophic cardiomyopathy. Also called: HYPERTROPHIC MYOCARDIOPATHY. Identifiers: Orphanet 217569, MedGen C0007194, MeSH D002312, MONDO:0005045, HP:0001639.

Allele frequency attached by ClinVar (database versions not stated): gnomAD exomes below 0.00001 and 0.00001; TOPMed 0.00001.

Submissions (5):

Labcorp Genetics (formerly Invitae), Labcorp
Classification: Uncertain significance for Hypertrophic cardiomyopathy. Last evaluated: 2024-04-10. Review status: criteria provided, single submitter. Criteria: Invitae Variant Classification Sherloc (09022015). Collection method: clinical testing. Allele origin: germline.
Comment: This sequence change replaces glutamine, which is neutral and polar, with lysine, which is basic and polar, at codon 584 of the JPH2 protein (p.Gln584Lys). The frequency data for this variant in the population databases is considered unreliable, as metrics indicate poor data quality at this position in the gnomAD database. This variant has not been reported in the literature in individuals affected with JPH2-related conditions. ClinVar contains an entry for this variant (Variation ID: 180592). An algorithm developed to predict the effect of missense changes on protein structure and function (PolyPhen-2) suggests that this variant is likely to be tolerated. In summary, the available evidence is currently insufficient to determine the role of this variant in disease. Therefore, it has been classified as a Variant of Uncertain Significance.

Ambry Genetics
Classification: Uncertain significance for Cardiovascular phenotype. Last evaluated: 2023-05-30. Review status: criteria provided, single submitter. Criteria: Ambry Variant Classification Scheme 2023. Collection method: clinical testing. Allele origin: germline.
Comment: The p.Q584K variant (also known as c.1750C>A), located in coding exon 4 of the JPH2 gene, results from a C to A substitution at nucleotide position 1750. The glutamine at codon 584 is replaced by lysine, an amino acid with similar properties. This alteration was reported in a subject ascertained from a series of patients requiring pacemaker placement; the subject also carried alterations in other cardiac-related genes (Tassetti L et al. Circ Arrhythm Electrophysiol, 2021 Dec;14:e010562). This amino acid position is poorly conserved in available vertebrate species. In addition, this alteration is predicted to be tolerated by in silico analysis. Since supporting evidence is limited at this time, the clinical significance of this alteration remains unclear.

Department of Pathology and Laboratory Medicine, Sinai Health System
Classification: Uncertain significance for Hypertrophic cardiomyopathy 17; Cardiomyopathy, dilated, 2E. Last evaluated: 2021-11-16. Review status: criteria provided, single submitter. Criteria: ACMG Guidelines, 2015. Collection method: research. Allele origin: germline.

GeneDx
Classification: Uncertain significance. Last evaluated: 2020-09-30. Review status: criteria provided, single submitter. Criteria: GeneDx Variant Classification Process June 2021. Collection method: clinical testing. Allele origin: germline. Affected: yes.
Comment: Not observed at a significant frequency in large population cohorts (Lek et al., 2016); In silico analysis supports that this missense variant does not alter protein structure/function

Blueprint Genetics
Classification: Uncertain significance. Last evaluated: 2019-11-18. Review status: criteria provided, single submitter. Criteria: ACMG Guidelines, 2015. Collection method: clinical testing. Allele origin: germline.

Literature cited by the submitters: PubMed 34814702 (cited by Ambry Genetics).

NM_020433.5(JPH2):c.1750C>A (p.Gln584Lys)

Gene: JPH2 (junctophilin 2; minus strand). Cytogenetic location: 20q13.12.
Variant type: single nucleotide variant.
Coding change: c.1750C>A on transcript NM_020433.5 (MANE Select); coding-DNA position 1750, C replaced by A.
Protein change: p.Gln584Lys; replaces glutamine 584 with lysine.
Molecular consequence: missense variant.
Genome position (GRCh38, 1-based): chr20:44,115,925, G>T on the plus strand (C>A on the coding strand, the complement: JPH2 is on the minus strand). VCF-style: chr20-44115925-G-T. GRCh37 (hg19) VCF-style: chr20-42744565-G-T.
Other names: short protein forms Q584K.
Identifiers: ClinVar variation 180592 (VCV000180592.9), dbSNP rs730880253, ClinGen allele CA346788.